The following is an entry in ClinVar:

ClinVar aggregate classification (germline): Likely pathogenic. Review status: criteria provided, multiple submitters, no conflicts (2 of 4 stars). 2 submissions from 2 submitters: Likely pathogenic (2). Last evaluated 2024-08-15.

Conditions:
OXCT1-related disorder. Also called: OXCT1-related condition.
Succinyl-CoA acetoacetate transferase deficiency (SCOTD). Also called: KETOACIDOSIS DUE TO SCOT DEFICIENCY; SCOT DEFICIENCY; SUCCINYL-CoA:3-KETOACID CoA-TRANSFERASE DEFICIENCY; 3-Oxoacid CoA Transferase Deficiency; Succinyl CoA:3-oxoacid CoA transferase deficiency. Identifiers: Orphanet 832, MedGen C0342792, MONDO:0009492, OMIM 245050.

Allele frequency attached by ClinVar (database versions not stated): ExAC 0.00002; gnomAD 0.00004; gnomAD exomes 0.00004; TOPMed 0.00005.
gnomAD v4.1: 68 of 1,611,298 alleles (0.0042%); highest among the groups gnomAD compares: African/African-American, 0.0053%; no homozygotes.

Submissions (2):

Blueprint Genetics
Classification: Likely pathogenic for OXCT1-related disorders. Last evaluated: 2024-08-15. Review status: criteria provided, single submitter. Criteria: ACMG Guidelines, 2015. Collection method: clinical testing. Allele origin: germline. Affected: yes. Observed: 5 variant alleles.

Labcorp Genetics (formerly Invitae), Labcorp
Classification: Likely pathogenic for Succinyl-CoA acetoacetate transferase deficiency. Last evaluated: 2023-05-23. Review status: criteria provided, single submitter. Criteria: Invitae Variant Classification Sherloc (09022015). Collection method: clinical testing. Allele origin: germline.
Comment: This variant is present in population databases (rs202242762, gnomAD 0.009%). In summary, the currently available evidence indicates that the variant is pathogenic, but additional data are needed to prove that conclusively. Therefore, this variant has been classified as Likely Pathogenic. ClinVar contains an entry for this variant (Variation ID: 353659). This variant has not been reported in the literature in individuals affected with OXCT1-related conditions. This sequence change affects a donor splice site in intron 11 of the OXCT1 gene. It is expected to disrupt RNA splicing. Variants that disrupt the donor or acceptor splice site typically lead to a loss of protein function (PMID: 16199547), and loss-of-function variants in OXCT1 are known to be pathogenic (PMID: 8751852).

Literature cited by the submitters: PubMed 16199547 (cited by Labcorp Genetics (formerly Invitae), Labcorp); PubMed 8751852 (cited by Labcorp Genetics (formerly Invitae), Labcorp).

NM_000436.4(OXCT1):c.1099+2T>C

Gene: OXCT1 (3-oxoacid CoA-transferase 1; minus strand). Cytogenetic location: 5p13.1.
Variant type: single nucleotide variant.
Coding change: c.1099+2T>C on transcript NM_000436.4 (MANE Select); the canonical splice donor site of the intron after coding-DNA position 1099, T replaced by C.
Molecular consequence: splice donor variant.
Genome position (GRCh38, 1-based): chr5:41,801,020, A>G on the plus strand (T>C on the coding strand, the complement: OXCT1 is on the minus strand). VCF-style: chr5-41801020-A-G. GRCh37 (hg19) VCF-style: chr5-41801122-A-G.
Other names: c.1093+2T>C (NM_001364301.2); c.1099+2T>C (NM_001364302.2); c.1120+2T>C (NM_001364299.2, NM_001364300.2); c.541+2T>C (NM_001364303.2).
Identifiers: ClinVar variation 353659 (VCV000353659.10), dbSNP rs202242762, ClinGen allele CA3253388.